The following is an entry in ClinVar:

ClinVar aggregate classification (germline): Uncertain significance (1 of 4 stars; one submission).

Submission:

CeGaT Center for Human Genetics Tuebingen
Classification: Uncertain significance. Last evaluated: 2023-07-01. Review status: criteria provided, single submitter. Criteria: CeGaT Center For Human Genetics Tuebingen Variant Classification Criteria Version 2. Collection method: clinical testing. Allele origin: germline. Affected: yes. Observed: 1 variant allele.
Comment: OGT: PM2, PP2

NM_181672.3(OGT):c.161A>G (p.Asn54Ser)

Gene: OGT (O-linked N-acetylglucosamine (GlcNAc) transferase; plus strand). Cytogenetic location: Xq13.1.
Variant type: single nucleotide variant.
Coding change: c.161A>G on transcript NM_181672.3 (MANE Select); coding-DNA position 161, A replaced by G.
Protein change: p.Asn54Ser; replaces asparagine 54 with serine.
Molecular consequence: missense variant.
Genome position (GRCh38, 1-based): chrX:71,536,301, A>G. VCF-style: chrX-71536301-A-G. GRCh37 (hg19) VCF-style: chrX-70756151-A-G.
Other names: c.131A>G, p.Asn44Ser (NM_181673.3); short protein forms N44S, N54S.
Identifiers: ClinVar variation 2660884 (VCV002660884.24), dbSNP rs2522816039, ClinGen allele CA413534863.